The following is an entry in ClinVar:

ClinVar aggregate classification (germline): Uncertain significance (1 of 4 stars; one submission).

Allele frequency attached by ClinVar (database versions not stated): TOPMed 0.00001.

Submission:

Labcorp Genetics (formerly Invitae), Labcorp
Classification: Uncertain significance. Last evaluated: 2021-10-28. Review status: criteria provided, single submitter. Criteria: Invitae Variant Classification Sherloc (09022015). Collection method: clinical testing. Allele origin: germline.
Comment: This variant is not present in population databases (gnomAD no frequency). This sequence change replaces asparagine, which is neutral and polar, with serine, which is neutral and polar, at codon 2112 of the HMCN1 protein (p.Asn2112Ser). This variant has not been reported in the literature in individuals affected with HMCN1-related conditions. Algorithms developed to predict the effect of missense changes on protein structure and function (SIFT, PolyPhen-2, Align-GVGD) all suggest that this variant is likely to be disruptive. In summary, the available evidence is currently insufficient to determine the role of this variant in disease. Therefore, it has been classified as a Variant of Uncertain Significance.

NM_031935.3(HMCN1):c.6335A>G (p.Asn2112Ser)

Gene: HMCN1 (hemicentin 1; plus strand). Cytogenetic location: 1q31.1.
Variant type: single nucleotide variant.
Coding change: c.6335A>G on transcript NM_031935.3 (MANE Select); coding-DNA position 6335, A replaced by G.
Protein change: p.Asn2112Ser; replaces asparagine 2112 with serine.
Molecular consequence: missense variant.
Genome position (GRCh38, 1-based): chr1:186,045,718, A>G. VCF-style: chr1-186045718-A-G. GRCh37 (hg19) VCF-style: chr1-186014850-A-G.
Other names: short protein forms N2112S.
Identifiers: ClinVar variation 1485183 (VCV001485183.6), dbSNP rs1656519065, ClinGen allele CA343899697.